The following is an entry in ClinVar:

NM_001845.6(COL4A1):c.510G>A (p.Leu170=)

Gene: COL4A1 (collagen type IV alpha 1 chain; minus strand). Cytogenetic location: 13q34.
Variant type: single nucleotide variant.
Coding change: c.510G>A on transcript NM_001845.6 (MANE Select); coding-DNA position 510, G replaced by A.
Protein change: p.Leu170=; no amino-acid change (leucine 170 retained).
Molecular consequence: synonymous variant.
Genome position (GRCh38, 1-based): chr13:110,210,171, C>T on the plus strand (G>A on the coding strand, the complement: COL4A1 is on the minus strand). VCF-style: chr13-110210171-C-T. GRCh37 (hg19) VCF-style: chr13-110862518-C-T.
Other names: c.510G>A, p.Leu170= (NM_001303110.2).
Identifiers: ClinVar variation 3353582 (VCV003353582.2).

ClinVar aggregate classification (germline): Likely benign. Review status: criteria provided, single submitter (1 of 4 stars). 2 submissions from 2 submitters: Likely benign (1). 1 of the submissions does not count toward it. Last evaluated 2025-03-12.

Conditions:
COL4A1-related disorder. Also called: COL4A1-related condition; COL4A1-related disorders. Identifiers: MedGen CN376119, MONDO:0800461.

gnomAD v4.1: 24 of 1,613,988 alleles (0.0015%); highest among the groups gnomAD compares: Non-Finnish European, 0.002%; no homozygotes.

Submissions (2):

Labcorp Genetics (formerly Invitae), Labcorp
Classification: Likely benign. Last evaluated: 2025-03-12. Review status: criteria provided, single submitter. Criteria: Invitae Variant Classification Sherloc (09022015). Collection method: clinical testing. Allele origin: germline.

PreventionGenetics, part of Exact Sciences
Classification: Likely benign for COL4A1-related condition. Last evaluated: 2024-05-23. Review status: no assertion criteria provided. Collection method: clinical testing. Allele origin: germline. Not counted in ClinVar's aggregate classification.
Comment: This variant is classified as likely benign based on ACMG/AMP sequence variant interpretation guidelines (Richards et al. 2015 PMID: 25741868, with internal and published modifications).